The following is an entry in ClinVar:

NM_015158.5(KANK1):c.1165T>G (p.Ser389Ala)

Gene: KANK1 (KN motif and ankyrin repeat domains 1; plus strand). Cytogenetic location: 9p24.3.
Variant type: single nucleotide variant.
Coding change: c.1165T>G on transcript NM_015158.5 (MANE Select); coding-DNA position 1165, T replaced by G.
Protein change: p.Ser389Ala; replaces serine 389 with alanine.
Molecular consequence: missense variant. On other transcripts: non-coding transcript variant (1).
Genome position (GRCh38, 1-based): chr9:711,931, T>G. VCF-style: chr9-711931-T-G. GRCh37 (hg19) VCF-style: chr9-711931-T-G.
Other names: c.1165T>G, p.Ser389Ala (NM_001256876.3, NM_001256877.3, NM_001354331.2 and 2 more transcripts); c.691T>G, p.Ser231Ala (NM_001354333.2, NM_001354335.2, NM_001354336.2 and 9 more transcripts); c.1165T>G (NM_015158.2); short protein forms S389A, S231A.
Identifiers: ClinVar variation 1929969 (VCV001929969.7), dbSNP rs776386850, ClinGen allele CA4960140.

ClinVar aggregate classification (germline): Uncertain significance. Review status: criteria provided, multiple submitters, no conflicts (2 of 4 stars). 2 submissions from 2 submitters: Uncertain significance (2). Last evaluated 2025-11-22.

gnomAD v4.1: 3 of 1,614,120 alleles (0.00019%); highest among the groups gnomAD compares: Non-Finnish European, 0.000085%; no homozygotes.

Submissions (2):

Labcorp Genetics (formerly Invitae), Labcorp
Classification: Uncertain significance. Last evaluated: 2025-11-22. Review status: criteria provided, single submitter. Criteria: Invitae Variant Classification Sherloc (09022015). Collection method: clinical testing. Allele origin: germline.
Comment: This sequence change replaces serine, which is neutral and polar, with alanine, which is neutral and non-polar, at codon 389 of the KANK1 protein (p.Ser389Ala). This variant is present in population databases (rs776386850, gnomAD 0.0009%). This variant has not been reported in the literature in individuals affected with KANK1-related conditions. ClinVar contains an entry for this variant (Variation ID: 1929969). Invitae Evidence Modeling of protein sequence and biophysical properties (such as structural, functional, and spatial information, amino acid conservation, physicochemical variation, residue mobility, and thermodynamic stability) indicates that this missense variant is not expected to disrupt KANK1 protein function with a negative predictive value of 80%. In summary, the available evidence is currently insufficient to determine the role of this variant in disease. Therefore, it has been classified as a Variant of Uncertain Significance.

Ambry Genetics
Classification: Uncertain significance. Last evaluated: 2023-02-28. Review status: criteria provided, single submitter. Criteria: Ambry Variant Classification Scheme 2023. Collection method: clinical testing. Allele origin: germline.